The following is an entry in ClinVar:

ClinVar aggregate classification (germline): Pathogenic (1 of 4 stars; one submission).

Submission:

Labcorp Genetics (formerly Invitae), Labcorp
Classification: Pathogenic. Last evaluated: 2025-03-19. Review status: criteria provided, single submitter. Criteria: Invitae Variant Classification Sherloc (09022015). Collection method: clinical testing. Allele origin: germline.
Comment: This sequence change creates a premature translational stop signal (p.Ser888Tyrfs*27) in the PIK3C2A gene. It is expected to result in an absent or disrupted protein product. Loss-of-function variants in PIK3C2A are known to be pathogenic (PMID: 31034465). This variant is not present in population databases (gnomAD no frequency). This variant has not been reported in the literature in individuals affected with PIK3C2A-related conditions. ClinVar contains an entry for this variant (Variation ID: 1989316). For these reasons, this variant has been classified as Pathogenic.

Literature cited by the submitters: PubMed 31034465.

NM_002645.4(PIK3C2A):c.2662_2663insAT (p.Ser888fs)

Gene: PIK3C2A (phosphatidylinositol-4-phosphate 3-kinase catalytic subunit type 2 alpha; minus strand). Cytogenetic location: 11p15.1.
Variant type: Insertion.
Coding change: c.2662_2663insAT on transcript NM_002645.4 (MANE Select); coding-DNA positions 2662 to 2663, AT inserted.
Protein change: p.Ser888fs; shifts the reading frame from serine 888.
Molecular consequence: frameshift variant.
Genome position: GRCh38 VCF-style: chr11-17119969-G-GAT. GRCh37 (hg19) VCF-style: chr11-17141516-G-GAT.
Other names: c.2662_2663insAT, p.Ser888fs (NM_001321378.2); c.1522_1523insAT, p.Ser508fs (NM_001321380.2); c.2494_2495insAT, p.Ser832fs (NM_001386870.1); short protein forms S832fs, S888fs, S508fs.
Identifiers: ClinVar variation 1989316 (VCV001989316.4), dbSNP rs1555020573, ClinGen allele CA918827872.
Genomic context (GRCh38, chr11:17,119,969, plus strand): 5'-CAATTTGGGTGTTTGAAGCAATAATAACGTTTCTCCCATAAAAAAGCTTTATCTTCTTTA[G>GAT]AAAGTCTGCATATATAATAGAATTAAATTACTTCTCAGTGATAACATAATGATATAATCT-3'